The following is an entry in ClinVar:

NM_000202.8(IDS):c.1277C>G (p.Ser426Ter)

Gene: IDS (iduronate 2-sulfatase; minus strand). Cytogenetic location: Xq28.
Variant type: single nucleotide variant.
Coding change: c.1277C>G on transcript NM_000202.8 (MANE Select); coding-DNA position 1277, C replaced by G.
Protein change: p.Ser426Ter; replaces serine 426 with a stop codon.
Molecular consequence: nonsense.
Genome position (GRCh38, 1-based): chrX:149,483,122, G>C on the plus strand (C>G on the coding strand, the complement: IDS is on the minus strand). VCF-style: chrX-149483122-G-C. GRCh37 (hg19) VCF-style: chrX-148564653-G-C.
Other names: c.1007C>G, p.Ser336Ter (NM_001166550.4); short protein forms S336*, S426*.
Identifiers: ClinVar variation 3256014 (VCV003256014.2).

ClinVar aggregate classification (germline): Pathogenic (1 of 4 stars; one submission).

Conditions:
Mucopolysaccharidosis, MPS-II (MPS2). Also called: Hunter Syndrome; IDURONATE 2-SULFATASE DEFICIENCY; Mucopolysaccharidosis Type II; Mucopolysaccharidosis type 2; Attenuated MPS (subtype; formerly known as mild MPS II); Severe MPS II. Identifiers: Orphanet 580, Orphanet 79388, MedGen C0026705, MONDO:0010674, OMIM 309900.

Submission:

Laboratory of Diagnosis and Therapy of Lysosomal Disorders, University of Padova
Classification: Pathogenic for Mucopolysaccharidosis, MPS-II. Last evaluated: 2024-06-07. Review status: criteria provided, single submitter. Criteria: ACMG Guidelines, 2015. Collection method: literature only. Allele origin: germline. Affected: yes. Observed: 1 variant allele.
Comment: Null variant (PVS1_Strong), De novo (PS2_Moderate), Absent from controls (or at low frequency) in gnomAD database (PM2_Moderate), Patient’s phenotype or family history highly specific for the disease (PP4_Strong)

Classification method: ACMG Guidelines [PMID:25741868] with modifications

Literature cited by the submitters: PubMed 7981716.